The following is an entry in ClinVar:

ClinVar aggregate classification (germline): Uncertain significance (1 of 4 stars; one submission).

Conditions:
Werner syndrome (WRN). Identifiers: Orphanet 902, MedGen C0043119, MONDO:0010196, OMIM 277700.

Allele frequency attached by ClinVar (database versions not stated): TOPMed below 0.00001; gnomAD 0.00001; gnomAD exomes 0.00001 and 0.00003; ExAC 0.00002; 1000 Genomes Project 30x 0.00016; 1000 Genomes Project 0.00020.
gnomAD v4.1: 10 of 1,613,490 alleles (0.00062%); highest among the groups gnomAD compares: East Asian, 0.02%; no homozygotes.

Submission:

Labcorp Genetics (formerly Invitae), Labcorp
Classification: Uncertain significance for Werner syndrome. Last evaluated: 2026-02-02. Review status: criteria provided, single submitter. Criteria: Invitae Variant Classification Sherloc (09022015). Collection method: clinical testing. Allele origin: germline.
Comment: This sequence change replaces valine, which is neutral and non-polar, with alanine, which is neutral and non-polar, at codon 35 of the WRN protein (p.Val35Ala). This variant is present in population databases (rs538178496, gnomAD 0.02%). This variant has not been reported in the literature in individuals affected with WRN-related conditions. ClinVar contains an entry for this variant (Variation ID: 1004175). An algorithm developed to predict the effect of missense changes on protein structure and function (PolyPhen-2) suggests that this variant is likely to be tolerated. In summary, the available evidence is currently insufficient to determine the role of this variant in disease. Therefore, it has been classified as a Variant of Uncertain Significance.

NM_000553.6(WRN):c.104T>C (p.Val35Ala)

Gene: WRN (WRN RecQ like helicase; plus strand). Cytogenetic location: 8p12.
Variant type: single nucleotide variant.
Coding change: c.104T>C on transcript NM_000553.6 (MANE Select); coding-DNA position 104, T replaced by C.
Protein change: p.Val35Ala; replaces valine 35 with alanine.
Molecular consequence: missense variant.
Genome position (GRCh38, 1-based): chr8:31,059,160, T>C. VCF-style: chr8-31059160-T-C. GRCh37 (hg19) VCF-style: chr8-30916676-T-C.
Other names: short protein forms V35A.
Identifiers: ClinVar variation 1004175 (VCV001004175.4), dbSNP rs538178496, ClinGen allele CA4703984.